The following is an entry in ClinVar:

NM_002971.6(SATB1):c.1308G>A (p.Pro436=)

Gene: SATB1 (SATB homeobox 1; minus strand). Cytogenetic location: 3p24.3.
Variant type: single nucleotide variant.
Coding change: c.1308G>A on transcript NM_002971.6 (MANE Select); coding-DNA position 1308, G replaced by A.
Protein change: p.Pro436=; no amino-acid change (proline 436 retained).
Molecular consequence: synonymous variant.
Genome position (GRCh38, 1-based): chr3:18,386,510, C>T on the plus strand (G>A on the coding strand, the complement: SATB1 is on the minus strand). VCF-style: chr3-18386510-C-T. GRCh37 (hg19) VCF-style: chr3-18428002-C-T.
Other names: c.1308G>A, p.Pro436= (NM_001131010.4, NM_001195470.3, NM_001322871.2 and 4 more transcripts); c.1092G>A, p.Pro364= (NM_001322876.2).
Identifiers: ClinVar variation 2653615 (VCV002653615.24), dbSNP rs189252955, ClinGen allele CA2282055.
Genomic context (GRCh38, chr3:18,386,510, plus strand): 5'-CGAGGCAGCATTCAAGCTCCTTTCCCTTTCGTCCTGGTATATTCGGTCTCTTTCAGCTTC[C>T]GGTAACTGCAAGAAATTCTGCATAGCCCGAAGGTTTACCAGCAAAGACTGGGATGCAGTC-3'
Protein context (NP_002962.1, residues 426-446): LRAMQNFLQL[Pro436=]EAERDRIYQD

ClinVar aggregate classification (germline): Likely benign (1 of 4 stars; one submission).

Allele frequency attached by ClinVar (database versions not stated): ESP Exome Variant Server 0.00008; gnomAD 0.00009; TOPMed 0.00011; ExAC 0.00012; gnomAD exomes 0.00016; 1000 Genomes Project 0.00020; 1000 Genomes Project 30x 0.00031.
gnomAD v4.1: 247 of 1,614,076 alleles (0.015%); highest among the groups gnomAD compares: Middle Eastern, 0.049%; no homozygotes.

Submission:

CeGaT Center for Human Genetics Tuebingen
Classification: Likely benign. Last evaluated: 2023-02-01. Review status: criteria provided, single submitter. Criteria: CeGaT Center For Human Genetics Tuebingen Variant Classification Criteria Version 2. Collection method: clinical testing. Allele origin: germline. Affected: yes. Observed: 1 variant allele.
Comment: SATB1: BP4, BP7